The following is an entry in ClinVar:

ClinVar aggregate classification (germline): Benign/Likely benign. Review status: criteria provided, multiple submitters, no conflicts (2 of 4 stars). 4 submissions from 4 submitters: Benign (3); Likely benign (1). Last evaluated 2026-01-27.

Conditions:
Myopathy with tubular aggregates (TAM). Also called: Tubular Aggregate Myopathy. Identifiers: Orphanet 2593, MedGen C0410207, MONDO:0008051.
Combined immunodeficiency due to STIM1 deficiency. Also called: IMMUNODEFICIENCY 10; STIM1 DEFICIENCY. Identifiers: Orphanet 169090, Orphanet 317430, MedGen C2748557, MONDO:0013008, OMIM 612783.
Stormorken syndrome (STRMK). Also called: THROMBOCYTOPATHY, ASPLENIA, AND MIOSIS. Identifiers: Orphanet 3204, MedGen C1861451, MONDO:0008497, OMIM 185070.
Myopathy, tubular aggregate, 1 (TAM1). Identifiers: MedGen C4011726, MONDO:0024531, OMIM 160565.

Allele frequency attached by ClinVar (database versions not stated): gnomAD exomes 0.00081 and 0.00272; gnomAD 0.00083 and 0.00119; TOPMed 0.00205; 1000 Genomes Project 30x 0.00437; ExAC 0.00456; 1000 Genomes Project 0.00539.
gnomAD v4.1: 1,379 of 1,592,364 alleles (0.087%); highest among the groups gnomAD compares: East Asian, 2.3%; 23 homozygotes.

Submissions (4):

Labcorp Genetics (formerly Invitae), Labcorp
Classification: Benign for Myopathy with tubular aggregates; Combined immunodeficiency due to STIM1 deficiency; Stormorken syndrome. Last evaluated: 2026-01-27. Review status: criteria provided, single submitter. Criteria: Invitae Variant Classification Sherloc (09022015). Collection method: clinical testing. Allele origin: germline.

Mayo Clinic Laboratories, Mayo Clinic
Classification: Benign. Last evaluated: 2025-06-30. Review status: criteria provided, single submitter. Criteria: ACMG Guidelines, 2015. Collection method: clinical testing. Allele origin: germline. Observed: 2 variant alleles.
Comment: BA1, BS2, BP4, BP7

Fulgent Genetics
Classification: Likely benign for Myopathy, tubular aggregate, 1; Stormorken syndrome; Combined immunodeficiency due to STIM1 deficiency. Last evaluated: 2021-10-27. Review status: criteria provided, single submitter. Criteria: ACMG Guidelines, 2015. Collection method: clinical testing. Allele origin: unknown.

Breakthrough Genomics
Classification: Benign. Review status: criteria provided, single submitter. Criteria: ACMG Guidelines, 2015. Collection method: not provided. Allele origin: germline. Inheritance: Autosomal recessive inheritance. Affected: yes.

NM_001382567.1(STIM1):c.387A>G (p.Val129=)

Gene: STIM1 (stromal interaction molecule 1; plus strand). Cytogenetic location: 11p15.4.
Variant type: single nucleotide variant.
Coding change: c.387A>G on transcript NM_001382567.1 (MANE Select); coding-DNA position 387, A replaced by G.
Protein change: p.Val129=; no amino-acid change (valine 129 retained).
Molecular consequence: synonymous variant. On other transcripts: 5 prime UTR variant (2), non-coding transcript variant (3), intron variant (2).
Genome position (GRCh38, 1-based): chr11:4,055,527, A>G. VCF-style: chr11-4055527-A-G. GRCh37 (hg19) VCF-style: chr11-4076757-A-G.
Other names: p.Val129=; c.387A>G, p.Val129= (NM_001277961.3, NM_001277962.2, NM_001382568.1 and 2 more transcripts); c.165A>G, p.Val55= (NM_001382566.1, NM_001382573.1, NM_001382574.1 and 5 more transcripts); c.252A>G, p.Val84= (NM_001382569.1); c.-103A>G (NM_001382580.1, NM_001382581.1); c.386-14499A>G (NM_001382570.1); c.18-3754A>G (NM_001382571.1).
Identifiers: ClinVar variation 461733 (VCV000461733.17), dbSNP rs116855870, ClinGen allele CA5830212.